The following is an entry in ClinVar:

ClinVar aggregate classification (germline): Pathogenic (1 of 4 stars; one submission).

Conditions:
Multiple congenital anomalies-hypotonia-seizures syndrome 1 (MCAHS1). Also called: GLYCOSYLPHOSPHATIDYLINOSITOL BIOSYNTHESIS DEFECT 3; PIGN-CDG; Congenital disorder of glycosylation due to PIGN deficiency. Identifiers: Orphanet 280633, MedGen C3279775, MONDO:0013563, OMIM 614080.

gnomAD v4.1: 1 of 1,543,254 alleles (0.000065%); highest among the groups gnomAD compares: Non-Finnish European, 0.00009%; no homozygotes.

Submission:

Labcorp Genetics (formerly Invitae), Labcorp
Classification: Pathogenic for Multiple congenital anomalies-hypotonia-seizures syndrome 1. Last evaluated: 2022-08-05. Review status: criteria provided, single submitter. Criteria: Invitae Variant Classification Sherloc (09022015). Collection method: clinical testing. Allele origin: germline.
Comment: For these reasons, this variant has been classified as Pathogenic. Algorithms developed to predict the effect of sequence changes on RNA splicing suggest that this variant may disrupt the consensus splice site. This variant has not been reported in the literature in individuals affected with PIGN-related conditions. This variant is not present in population databases (gnomAD no frequency). This sequence change creates a premature translational stop signal (p.Trp177*) in the PIGN gene. It is expected to result in an absent or disrupted protein product. Loss-of-function variants in PIGN are known to be pathogenic (PMID: 24253414, 27038415).

Literature cited by the submitters: PubMed 24253414; PubMed 27038415.

NM_176787.5(PIGN):c.531G>A (p.Trp177Ter)

Gene: PIGN (phosphatidylinositol glycan anchor biosynthesis class N; minus strand). Cytogenetic location: 18q21.33.
Variant type: single nucleotide variant.
Coding change: c.531G>A on transcript NM_176787.5 (MANE Select); coding-DNA position 531, G replaced by A.
Protein change: p.Trp177Ter; replaces tryptophan 177 with a stop codon.
Molecular consequence: nonsense.
Genome position (GRCh38, 1-based): chr18:62,154,563, C>T on the plus strand (G>A on the coding strand, the complement: PIGN is on the minus strand). VCF-style: chr18-62154563-C-T. GRCh37 (hg19) VCF-style: chr18-59821796-C-T.
Other names: c.531G>A, p.Trp177Ter (NM_012327.6); short protein forms W177*.
Identifiers: ClinVar variation 2048119 (VCV002048119.4), dbSNP rs2147453642, ClinGen allele CA402602745.